The following is an entry in ClinVar:

ClinVar aggregate classification (germline): Uncertain significance (1 of 4 stars; one submission).

Conditions:
Hereditary spastic paraplegia 39 (SPG39). Also called: SPASTIC PARAPLEGIA 39, AUTOSOMAL RECESSIVE; Spastic Paraplegia Type 39 (SPG39). Identifiers: Orphanet 139480, MedGen C2677586, MONDO:0012787, OMIM 612020.

Allele frequency attached by ClinVar (database versions not stated): gnomAD 0.00001; TOPMed 0.00001; gnomAD exomes 0.00002; ESP Exome Variant Server 0.00008.

Submission:

Labcorp Genetics (formerly Invitae), Labcorp
Classification: Uncertain significance for Hereditary spastic paraplegia 39. Last evaluated: 2020-10-01. Review status: criteria provided, single submitter. Criteria: Invitae Variant Classification Sherloc (09022015). Collection method: clinical testing. Allele origin: germline.
Comment: This sequence change replaces arginine with glutamine at codon 396 of the PNPLA6 protein (p.Arg396Gln). The arginine residue is moderately conserved and there is a small physicochemical difference between arginine and glutamine. This variant is not present in population databases (ExAC no frequency). This variant has not been reported in the literature in individuals with PNPLA6-related conditions. Algorithms developed to predict the effect of missense changes on protein structure and function are either unavailable or do not agree on the potential impact of this missense change (SIFT: "Tolerated"; PolyPhen-2: "Probably Damaging"; Align-GVGD: "Class C0"). In summary, the available evidence is currently insufficient to determine the role of this variant in disease. Therefore, it has been classified as a Variant of Uncertain Significance.

NM_001166114.2(PNPLA6):c.1304G>A (p.Arg435Gln)

Gene: PNPLA6 (patatin like domain 6, lysophospholipase; plus strand). Cytogenetic location: 19p13.2.
Variant type: single nucleotide variant.
Coding change: c.1304G>A on transcript NM_001166114.2 (MANE Select); coding-DNA position 1304, G replaced by A.
Protein change: p.Arg435Gln; replaces arginine 435 with glutamine.
Molecular consequence: missense variant.
Genome position (GRCh38, 1-based): chr19:7,542,612, G>A. VCF-style: chr19-7542612-G-A. GRCh37 (hg19) VCF-style: chr19-7607498-G-A.
Other names: c.1331G>A, p.Arg444Gln (NM_001166111.2); c.1187G>A, p.Arg396Gln (NM_001166112.2, NM_001166113.1, NM_006702.5); short protein forms R396Q, R435Q, R444Q.
Identifiers: ClinVar variation 942990 (VCV000942990.9), dbSNP rs376174058, ClinGen allele CA304866495.